The following is an entry in ClinVar:

ClinVar aggregate classification (germline): Uncertain significance (1 of 4 stars; one submission).

Submission:

Labcorp Genetics (formerly Invitae), Labcorp
Classification: Uncertain significance. Last evaluated: 2023-01-12. Review status: criteria provided, single submitter. Criteria: Invitae Variant Classification Sherloc (09022015). Collection method: clinical testing. Allele origin: germline.
Comment: In summary, the available evidence is currently insufficient to determine the role of this variant in disease. Therefore, it has been classified as a Variant of Uncertain Significance. Experimental studies and prediction algorithms are not available or were not evaluated, and the functional significance of this variant is currently unknown. This variant has not been reported in the literature in individuals affected with AMER1-related conditions. This variant is present in population databases (no rsID available, gnomAD 0.002%), including at least one homozygous and/or hemizygous individual. This variant, c.327_329del, results in the deletion of 1 amino acid(s) of the AMER1 protein (p.Val110del), but otherwise preserves the integrity of the reading frame.

NM_152424.4(AMER1):c.324TGT[1] (p.Val110del)

Gene: AMER1 (APC membrane recruitment protein 1; minus strand). Cytogenetic location: Xq11.2.
Variant type: Microsatellite.
Coding change: c.324TGT[1] on transcript NM_152424.4 (MANE Select); one copy of the 3-base unit TGT starting at c.324; the reference has two copies in a row; one copy, 3 bases deleted.
Protein change: p.Val110del; deletes valine 110.
Molecular consequence: inframe deletion.
Genome position (GRCh38, 1-based): chrX:64,192,958-64,192,960, ACA deleted on the plus strand (TGT on the coding strand, the reverse complement: AMER1 is on the minus strand); deleting any 3 consecutive bases within chrX:64,192,958-64,192,963 gives the same sequence; the position shown is the placement nearest the transcript's 3' end. VCF-style (leftmost placement, unchanged base first): chrX-64192957-GACA-G. GRCh37 (hg19) VCF-style: chrX-63412837-GACA-G.
Other names: short protein forms V110del.
Identifiers: ClinVar variation 2895944 (VCV002895944.3), dbSNP rs1057064140, ClinGen allele CA329958100.